The following is an entry in ClinVar:

ClinVar aggregate classification (germline): Uncertain significance (1 of 4 stars; one submission).

Submission:

Labcorp Genetics (formerly Invitae), Labcorp
Classification: Uncertain significance. Last evaluated: 2022-07-06. Review status: criteria provided, single submitter. Criteria: Invitae Variant Classification Sherloc (09022015). Collection method: clinical testing. Allele origin: germline.
Comment: This variant, c.2748_2753del, results in the deletion of 2 amino acid(s) of the HYOU1 protein (p.Arg917_Pro918del), but otherwise preserves the integrity of the reading frame. This variant is present in population databases (rs782050011, gnomAD 0.01%). This variant has not been reported in the literature in individuals affected with HYOU1-related conditions. Experimental studies and prediction algorithms are not available or were not evaluated, and the functional significance of this variant is currently unknown. In summary, the available evidence is currently insufficient to determine the role of this variant in disease. Therefore, it has been classified as a Variant of Uncertain Significance.

NM_006389.5(HYOU1):c.2742CCGGCC[1] (p.915RP[1])

Gene: HYOU1 (hypoxia up-regulated 1; minus strand). Cytogenetic location: 11q23.3.
Variant type: Microsatellite.
Coding change: c.2742CCGGCC[1] on transcript NM_006389.5 (MANE Select); one copy of the 6-base unit CCGGCC starting at c.2742; the reference has two copies in a row; one copy, 6 bases deleted.
Protein change: p.915RP[1].
Molecular consequence: inframe deletion.
Genome position (GRCh38, 1-based): chr11:119,046,645-119,046,650, GGCCGG deleted on the plus strand (CCGGCC on the coding strand, the reverse complement: HYOU1 is on the minus strand); deleting any 6 consecutive bases within chr11:119,046,645-119,046,659 gives the same sequence; the position shown is the placement nearest the transcript's 3' end. VCF-style (leftmost placement, unchanged base first): chr11-119046644-AGGCCGG-A. GRCh37 (hg19) VCF-style: chr11-118917356-AGGCCGG-A.
Other names: c.2742CCGGCC[1], p.915RP[1] (NM_001130991.3).
Identifiers: ClinVar variation 1480653 (VCV001480653.6), dbSNP rs782050011, ClinGen allele CA229616877.